The following is an entry in ClinVar:

NM_198075.4(LRRC56):c.1186del (p.Leu396fs)

Gene: LRRC56 (leucine rich repeat containing 56; plus strand). Cytogenetic location: 11p15.5.
Variant type: Deletion.
Coding change: c.1186del on transcript NM_198075.4 (MANE Select); coding-DNA position 1186, one base deleted (C; older notation c.1186delC).
Protein change: p.Leu396fs; shifts the reading frame from leucine 396.
Molecular consequence: frameshift variant.
Genome position (GRCh38, 1-based): chr11:552,573, C deleted; the last of 5 consecutive C bases (chr11:552,569-552,573); deleting any one gives the same sequence. VCF-style (leftmost placement, unchanged base first): chr11-552568-GC-G. GRCh37 (hg19) VCF-style: chr11-552568-GC-G.
Other names: c.1186del, p.Leu396fs (NM_001441283.1, NM_001441284.1); c.1009del, p.Leu337fs (NM_001441285.1, NM_001441286.1); short protein forms L337fs, L396fs.
Identifiers: ClinVar variation 4994693 (VCV004994693.1).

ClinVar aggregate classification (germline): Uncertain significance (1 of 4 stars; one submission).

Conditions:
LRRC56-related disorder. Also called: LRRC56-related condition.

Submission:

PreventionGenetics, part of Exact Sciences
Classification: Uncertain significance for LRRC56-related condition. Last evaluated: 2025-09-16. Review status: criteria provided, single submitter. Criteria: ACMG Guidelines, 2015. Collection method: clinical testing. Allele origin: germline.
Comment: The LRRC56 c.1186delC variant is predicted to result in a frameshift and premature protein termination (p.Leu396Serfs*14). To our knowledge, this variant has not been reported in the literature or in a large population database (gnomAD), indicating this variant is rare. Frameshift variants in LRRC56 are expected to be pathogenic, however no downstream variants have been reported as pathogenic in ClinVar. Although we suspect that this variant may be pathogenic, at this time, the clinical significance of this variant is uncertain due to the absence of conclusive functional and genetic evidence.